The following is an entry in ClinVar:

ClinVar aggregate classification (germline): Uncertain significance (1 of 4 stars; one submission).

Submission:

Labcorp Genetics (formerly Invitae), Labcorp
Classification: Uncertain significance. Last evaluated: 2022-07-12. Review status: criteria provided, single submitter. Criteria: Invitae Variant Classification Sherloc (09022015). Collection method: clinical testing. Allele origin: germline.
Comment: This variant is a gross deletion of the genomic region encompassing exon(s) 4 of the KIZ gene. This variant would be expected to be in-frame, preserving the integrity of the reading frame. In summary, the available evidence is currently insufficient to determine the role of this variant in disease. Therefore, it has been classified as a Variant of Uncertain Significance. Experimental studies and prediction algorithms are not available or were not evaluated, and the functional significance of this variant is currently unknown. This variant has not been reported in the literature in individuals affected with KIZ-related conditions.

NC_000020.10:g.(?_21126186)_(21126315_?)del

Gene: KIZ (kizuna centrosomal protein; plus strand). Cytogenetic location: 20p11.23.
Variant type: Deletion.
Identifiers: ClinVar variation 1445967 (VCV001445967.5).